The following is an entry in ClinVar:

NM_003640.5(ELP1):c.3130C>T (p.Gln1044Ter)

Gene: ELP1 (elongator acetyltransferase complex subunit 1; minus strand). Cytogenetic location: 9q31.3.
Variant type: single nucleotide variant.
Coding change: c.3130C>T on transcript NM_003640.5 (MANE Select); coding-DNA position 3130, C replaced by T.
Protein change: p.Gln1044Ter; replaces glutamine 1044 with a stop codon.
Molecular consequence: nonsense.
Genome position (GRCh38, 1-based): chr9:108,891,233, G>A on the plus strand (C>T on the coding strand, the complement: ELP1 is on the minus strand). VCF-style: chr9-108891233-G-A. GRCh37 (hg19) VCF-style: chr9-111653513-G-A.
Other names: c.2788C>T, p.Gln930Ter (NM_001318360.2); c.2083C>T, p.Gln695Ter (NM_001330749.2); short protein forms Q1044*, Q695*, Q930*.
Identifiers: ClinVar variation 2421537 (VCV002421537.6), dbSNP rs1217750168, ClinGen allele CA374416219.

ClinVar aggregate classification (germline): Pathogenic (1 of 4 stars; one submission).

Allele frequency attached by ClinVar (database versions not stated): gnomAD exomes below 0.00001.
gnomAD v4.1: 1 of 1,614,198 alleles (0.000062%); highest among the groups gnomAD compares: East Asian, 0.0022%; no homozygotes.

Submission:

Labcorp Genetics (formerly Invitae), Labcorp
Classification: Pathogenic. Last evaluated: 2022-09-23. Review status: criteria provided, single submitter. Criteria: Invitae Variant Classification Sherloc (09022015). Collection method: clinical testing. Allele origin: germline.
Comment: For these reasons, this variant has been classified as Pathogenic. This variant has not been reported in the literature in individuals affected with ELP1-related conditions. This variant is present in population databases (no rsID available, gnomAD 0.006%). This sequence change creates a premature translational stop signal (p.Gln1044*) in the ELP1 gene. It is expected to result in an absent or disrupted protein product. Loss-of-function variants in ELP1 are known to be pathogenic (PMID: 18303054, 24173031).

Literature cited by the submitters: PubMed 18303054; PubMed 24173031.